The following is an entry in ClinVar:

ClinVar aggregate classification (germline): Pathogenic (1 of 4 stars; one submission).

Conditions:
Neurofibromatosis, type 1 (NF1). Also called: VON RECKLINGHAUSEN DISEASE; Peripheral type neurofibromatosis; Neurofibromatosis, type I; NEUROFIBROMATOSIS, TYPE I, SOMATIC. Identifiers: Orphanet 636, MedGen C0027831, MONDO:0018975, OMIM 162200. Disease mechanism: loss of function.

Submission:

Labcorp Genetics (formerly Invitae), Labcorp
Classification: Pathogenic for Neurofibromatosis, type 1. Last evaluated: 2022-12-03. Review status: criteria provided, single submitter. Criteria: Invitae Variant Classification Sherloc (09022015). Collection method: clinical testing. Allele origin: germline.
Comment: For these reasons, this variant has been classified as Pathogenic. This variant has not been reported in the literature in individuals affected with NF1-related conditions. This variant is not present in population databases (gnomAD no frequency). This sequence change creates a premature translational stop signal (p.Gly127*) in the NF1 gene. It is expected to result in an absent or disrupted protein product. Loss-of-function variants in NF1 are known to be pathogenic (PMID: 10712197, 23913538).

Literature cited by the submitters: PubMed 10712197; PubMed 23913538.

NM_001042492.3(NF1):c.379G>T (p.Gly127Ter)

Gene: NF1 (neurofibromin 1; plus strand). Cytogenetic location: 17q11.2.
Variant type: single nucleotide variant.
Coding change: c.379G>T on transcript NM_001042492.3 (MANE Select); coding-DNA position 379, G replaced by T.
Protein change: p.Gly127Ter; replaces glycine 127 with a stop codon.
Molecular consequence: nonsense.
Genome position (GRCh38, 1-based): chr17:31,163,276, G>T. VCF-style: chr17-31163276-G-T. GRCh37 (hg19) VCF-style: chr17-29490294-G-T.
Other names: c.379G>T, p.Gly127Ter (NM_000267.4, NM_001128147.3); short protein forms G127*.
Identifiers: ClinVar variation 2818091 (VCV002818091.3), dbSNP rs2143672087, ClinGen allele CA398981825.